The following is an entry in ClinVar:

NM_017514.5(PLXNA3):c.12C>G (p.Val4=)

Gene: PLXNA3 (plexin A3; plus strand). Cytogenetic location: Xq28.
Variant type: single nucleotide variant.
Coding change: c.12C>G on transcript NM_017514.5 (MANE Select); coding-DNA position 12, C replaced by G.
Protein change: p.Val4=; no amino-acid change (valine 4 retained).
Molecular consequence: synonymous variant.
Genome position (GRCh38, 1-based): chrX:154,460,195, C>G. VCF-style: chrX-154460195-C-G. GRCh37 (hg19) VCF-style: chrX-153688535-C-G.
Identifiers: ClinVar variation 777847 (VCV000777847.6), dbSNP rs35880504, ClinGen allele CA10563564.

ClinVar aggregate classification (germline): Benign. Review status: criteria provided, multiple submitters, no conflicts (2 of 4 stars). 3 submissions from 3 submitters: Benign (2). 1 of the submissions does not count toward it. Last evaluated 2018-12-03.

Conditions:
PLXNA3-related disorder. Also called: PLXNA3-related condition.

Allele frequency attached by ClinVar (database versions not stated): gnomAD exomes 0.00091 and 0.00246; ExAC 0.00316; gnomAD 0.00894 and 0.00950; ESP Exome Variant Server 0.00951; TOPMed 0.00966; 1000 Genomes Project 0.01219; 1000 Genomes Project 30x 0.01249.
gnomAD v4.1: 2,052 of 1,201,876 alleles (0.17%); highest among the groups gnomAD compares: African/African-American, 3.1%; 20 homozygotes.

Submissions (3):

Labcorp Genetics (formerly Invitae), Labcorp
Classification: Benign. Last evaluated: 2018-12-03. Review status: criteria provided, single submitter. Criteria: Invitae Variant Classification Sherloc (09022015). Collection method: clinical testing. Allele origin: germline.

Breakthrough Genomics
Classification: Benign. Review status: criteria provided, single submitter. Criteria: ACMG Guidelines, 2015. Collection method: not provided. Allele origin: germline. Inheritance: Unknown mechanism. Affected: yes.

PreventionGenetics, part of Exact Sciences
Classification: Benign for PLXNA3-related condition. Last evaluated: 2019-09-25. Review status: no assertion criteria provided. Collection method: clinical testing. Allele origin: germline. Not counted in ClinVar's aggregate classification.
Comment: This variant is classified as benign based on ACMG/AMP sequence variant interpretation guidelines (Richards et al. 2015 PMID: 25741868, with internal and published modifications).